The following is an entry in ClinVar:

NM_004260.4(RECQL4):c.1620+1G>A

Gene: RECQL4 (RecQ like helicase 4; minus strand). Cytogenetic location: 8q24.3.
Variant type: single nucleotide variant.
Coding change: c.1620+1G>A on transcript NM_004260.4 (MANE Select); the canonical splice donor site of the intron after coding-DNA position 1620, G replaced by A.
Molecular consequence: splice donor variant.
Genome position (GRCh38, 1-based): chr8:144,514,935, C>T on the plus strand (G>A on the coding strand, the complement: RECQL4 is on the minus strand). VCF-style: chr8-144514935-C-T. GRCh37 (hg19) VCF-style: chr8-145740319-C-T.
Other names: c.549+1G>A (NM_001413037.1, NM_001413038.1, NM_001413022.1 and 7 more transcripts); c.1491+1G>A (NM_001413025.1); c.1269+1G>A (NM_001413029.1); c.483+1G>A (NM_001413032.1, NM_001413027.1, NM_001413031.1 and 2 more transcripts); c.1524+1G>A (NM_001413017.1, NM_001413020.1); c.1590+1G>A (NM_001413039.1); c.1620+1G>A (NM_001413033.1, NM_001413018.1, NM_001413036.1 and 1 more transcripts); c.153+1G>A (NM_001413043.1); and 1 more.
Identifiers: ClinVar variation 1067662 (VCV001067662.5), dbSNP rs2130702516, ClinGen allele CA372683374.
Genomic context (GRCh38, chr8:144,514,935, plus strand): 5'-TTGGGAGTCACAAGTGCTGGTTCTTGGCTGTGTACGTGTGCCCAGGGCCCTGTGTGCACA[C>T]CTGGTCATCCATGAGTGACAGCAGGGGAGAGACGACCAACGTGAGGCAGGGGCTGCGCCG-3'

ClinVar aggregate classification (germline): Likely pathogenic (1 of 4 stars; one submission).

Conditions:
Baller-Gerold syndrome (BGS). Also called: CRANIOSYNOSTOSIS WITH RADIAL DEFECTS. Identifiers: Orphanet 1225, MedGen C0265308, MONDO:0009039, OMIM 218600.

Submission:

Labcorp Genetics (formerly Invitae), Labcorp
Classification: Likely pathogenic for Baller-Gerold syndrome. Last evaluated: 2022-06-20. Review status: criteria provided, single submitter. Criteria: Invitae Variant Classification Sherloc (09022015). Collection method: clinical testing. Allele origin: germline.
Comment: Disruption of this splice site has been observed in individual(s) with clinical features of RECQL4-related conditions (Invitae). ClinVar contains an entry for this variant (Variation ID: 1067662). Algorithms developed to predict the effect of sequence changes on RNA splicing suggest that this variant may disrupt the consensus splice site. In summary, the currently available evidence indicates that the variant is pathogenic, but additional data are needed to prove that conclusively. Therefore, this variant has been classified as Likely Pathogenic. This variant is not present in population databases (gnomAD no frequency). This sequence change affects a donor splice site in intron 9 of the RECQL4 gene. It is expected to disrupt RNA splicing. Variants that disrupt the donor or acceptor splice site typically lead to a loss of protein function (PMID: 16199547), and loss-of-function variants in RECQL4 are known to be pathogenic (PMID: 12734318, 12952869).

Literature cited by the submitters: PubMed 16199547; PubMed 12734318; PubMed 12952869.